The following is an entry in ClinVar:

ClinVar aggregate classification (germline): Likely benign (1 of 4 stars; one submission).

Submission:

CeGaT Center for Human Genetics Tuebingen
Classification: Likely benign. Last evaluated: 2024-09-01. Review status: criteria provided, single submitter. Criteria: CeGaT Center For Human Genetics Tuebingen Variant Classification Criteria Version 2. Collection method: clinical testing. Allele origin: germline. Affected: yes. Observed: 1 variant allele.
Comment: TGM6: PM2:Supporting, BP4, BP7

NM_198994.3(TGM6):c.285A>G (p.Lys95=)

Gene: TGM6 (transglutaminase 6; plus strand). Cytogenetic location: 20p13.
Variant type: single nucleotide variant.
Coding change: c.285A>G on transcript NM_198994.3 (MANE Select); coding-DNA position 285, A replaced by G.
Protein change: p.Lys95=; no amino-acid change (lysine 95 retained).
Molecular consequence: synonymous variant.
Genome position (GRCh38, 1-based): chr20:2,395,297, A>G. VCF-style: chr20-2395297-A-G. GRCh37 (hg19) VCF-style: chr20-2375943-A-G.
Other names: c.285A>G, p.Lys95= (NM_001254734.2).
Identifiers: ClinVar variation 3389442 (VCV003389442.14).
Genomic context (GRCh38, chr20:2,395,297, plus strand): 5'-GACATCGGAGCTGGAGCGGGGTGAGGGCTGGACAGCAGCAAGGGAGGCTCAGATGGAGAA[A>G]ACTCTGACCGTCAGTCTCGCCAGCCCTCCCAGTGCTGTCATTGGCCGCTACCTGCTGAGC-3'
Protein context (NP_945345.2, residues 85-105): WTAAREAQME[Lys95=]TLTVSLASPP